The following is an entry in ClinVar:

NM_007294.4(BRCA1):c.4621del (p.Glu1541fs)

Gene: BRCA1 (BRCA1 DNA repair associated; minus strand). Cytogenetic location: 17q21.31.
Variant type: Deletion.
Coding change: c.4621del on transcript NM_007294.4 (MANE Select); coding-DNA position 4621, one base deleted (G; older notation c.4621delG).
Protein change: p.Glu1541fs; shifts the reading frame from glutamic acid 1541.
Molecular consequence: frameshift variant. On other transcripts: non-coding transcript variant (1).
Genome position (GRCh38, 1-based): chr17:43,074,385, C deleted on the plus strand (G on the coding strand, the reverse complement: BRCA1 is on the minus strand). VCF-style (leftmost placement, unchanged base first): chr17-43074384-TC-T. GRCh37 (hg19) VCF-style: chr17-41226401-TC-T.
Other names: c.4408delG, p.Glu1470Serfs (NM_001407894.1, NM_001407895.1, NM_001407896.1 and 12 more transcripts); c.1168delG, p.Glu390Serfs (NM_001408464.1, NM_001408465.1, NM_001408466.1 and 7 more transcripts); c.1165delG, p.Glu389Serfs (NM_001408468.1, NM_001408469.1, NM_001408470.1); c.1309delG, p.Glu437Serfs (NM_001408472.1, NM_007298.4, NM_007304.2 and 12 more transcripts); c.1306delG, p.Glu436Serfs (NM_001408473.1, NM_001408392.1, NM_001408396.1 and 8 more transcripts); c.1111delG, p.Glu371Serfs (NM_001408474.1); c.1108delG, p.Glu370Serfs (NM_001408475.1, NM_001408476.1); c.1102delG, p.Glu368Serfs (NM_001408478.1, NM_001408479.1, NM_001408480.1); and 71 more; short protein forms E1494fs, E1541fs, E1562fs, E437fs.
Identifiers: ClinVar variation 2769498 (VCV002769498.3), dbSNP rs2551453077, ClinGen allele CA2697559971.

ClinVar aggregate classification (germline): Pathogenic (1 of 4 stars; one submission).

Conditions:
Hereditary breast ovarian cancer syndrome. Also called: Hereditary breast and ovarian cancer syndrome; Hereditary breast and ovarian cancer syndrome (HBOC); BRCA1- and BRCA2-Associated Hereditary Breast and Ovarian Cancer; Hereditary breast and ovarian cancer; Breast and ovarian cancer; Hereditary breast and/or ovarian cancer syndrome. Identifiers: Orphanet 145, MedGen C0677776, MeSH D061325, MONDO:0003582. Disease mechanism: loss of function.

Submission:

Labcorp Genetics (formerly Invitae), Labcorp
Classification: Pathogenic for Hereditary breast ovarian cancer syndrome. Last evaluated: 2022-09-01. Review status: criteria provided, single submitter. Criteria: Invitae Variant Classification Sherloc (09022015). Collection method: clinical testing. Allele origin: germline.
Comment: For these reasons, this variant has been classified as Pathogenic. This premature translational stop signal has been observed in individual(s) with breast and/or ovarian cancer (PMID: 33646313). This variant is not present in population databases (gnomAD no frequency). This sequence change creates a premature translational stop signal (p.Glu1541Serfs*7) in the BRCA1 gene. It is expected to result in an absent or disrupted protein product. Loss-of-function variants in BRCA1 are known to be pathogenic (PMID: 20104584).

Literature cited by the submitters: PubMed 33646313; PubMed 20104584.